The following is an entry in ClinVar:

NM_001164508.2(NEB):c.662A>G (p.Tyr221Cys)

Gene: NEB (nebulin; minus strand). Cytogenetic location: 2q23.3.
Variant type: single nucleotide variant.
Coding change: c.662A>G on transcript NM_001164508.2 (MANE Select); coding-DNA position 662, A replaced by G.
Protein change: p.Tyr221Cys; replaces tyrosine 221 with cysteine.
Molecular consequence: missense variant.
Genome position (GRCh38, 1-based): chr2:151,723,437, T>C on the plus strand (A>G on the coding strand, the complement: NEB is on the minus strand). VCF-style: chr2-151723437-T-C. GRCh37 (hg19) VCF-style: chr2-152579951-T-C.
Other names: c.662A>G, p.Tyr221Cys (NM_001164507.2, NM_001271208.2, NM_004543.5); c.662A>G (NM_004543.4); short protein forms Y221C.
Identifiers: ClinVar variation 534036 (VCV000534036.11), dbSNP rs571230045, ClinGen allele CA57650375.

ClinVar aggregate classification (germline): Uncertain significance. Review status: criteria provided, multiple submitters, no conflicts (2 of 4 stars). 3 submissions from 3 submitters: Uncertain significance (2). 1 of the submissions does not count toward it. Last evaluated 2023-02-15.

Conditions:
Nemaline myopathy 2 (NEM2). Also called: Nemaline myopathy 2, autosomal recessive. Identifiers: MedGen C1850569, MONDO:0009725, OMIM 256030.
Inborn genetic diseases. Identifiers: MedGen C0950123, MeSH D030342.

Allele frequency attached by ClinVar (database versions not stated): gnomAD 0.00001; 1000 Genomes Project 0.00020; 1000 Genomes Project 30x 0.00031.
gnomAD v4.1: 3 of 1,610,574 alleles (0.00019%); highest among the groups gnomAD compares: Admixed American, 0.0017%; no homozygotes.

Submissions (3):

Ambry Genetics
Classification: Uncertain significance for Inborn genetic diseases. Last evaluated: 2023-02-15. Review status: criteria provided, single submitter. Criteria: Ambry Variant Classification Scheme 2023. Collection method: clinical testing. Allele origin: germline.

Labcorp Genetics (formerly Invitae), Labcorp
Classification: Uncertain significance for Nemaline myopathy 2. Last evaluated: 2022-07-19. Review status: criteria provided, single submitter. Criteria: Invitae Variant Classification Sherloc (09022015). Collection method: clinical testing. Allele origin: germline.
Comment: This sequence change replaces tyrosine, which is neutral and polar, with cysteine, which is neutral and slightly polar, at codon 221 of the NEB protein (p.Tyr221Cys). This variant is not present in population databases (gnomAD no frequency). This variant has not been reported in the literature in individuals affected with NEB-related conditions. ClinVar contains an entry for this variant (Variation ID: 534036). Algorithms developed to predict the effect of missense changes on protein structure and function are either unavailable or do not agree on the potential impact of this missense change (SIFT: "Deleterious"; PolyPhen-2: "Not Available"; Align-GVGD: "Class C45"). In summary, the available evidence is currently insufficient to determine the role of this variant in disease. Therefore, it has been classified as a Variant of Uncertain Significance.

Natera, Inc.
Classification: Uncertain significance for Nemaline myopathy type 2. Last evaluated: 2020-03-27. Review status: no assertion criteria provided. Collection method: clinical testing. Allele origin: germline. Not counted in ClinVar's aggregate classification.